The following is an entry in ClinVar:

NM_002529.4(NTRK1):c.1796G>T (p.Arg599Leu)

Gene: NTRK1 (neurotrophic receptor tyrosine kinase 1; plus strand). Cytogenetic location: 1q23.1.
Variant type: single nucleotide variant.
Coding change: c.1796G>T on transcript NM_002529.4 (MANE Select); coding-DNA position 1796, G replaced by T.
Protein change: p.Arg599Leu; replaces arginine 599 with leucine.
Molecular consequence: missense variant.
Genome position (GRCh38, 1-based): chr1:156,876,563, G>T. VCF-style: chr1-156876563-G-T. GRCh37 (hg19) VCF-style: chr1-156846355-G-T.
Other names: c.1688G>T, p.Arg563Leu (NM_001007792.1); c.1778G>T, p.Arg593Leu (NM_001012331.2); short protein forms R593L, R563L, R599L.
Identifiers: ClinVar variation 1519400 (VCV001519400.5), dbSNP rs775718859, ClinGen allele CA1169470.

ClinVar aggregate classification (germline): Uncertain significance (1 of 4 stars; one submission).

Conditions:
Hereditary insensitivity to pain with anhidrosis (CIPA). Also called: HSAN Type IV; FAMILIAL DYSAUTONOMIA, TYPE II; NTRK1 Congenital Insensitivity to Pain with Anhidrosis; hereditary sensory and autonomic neuropathy type 4; NEUROPATHY, CONGENITAL SENSORY, WITH ANHIDROSIS; INSENSITIVITY TO PAIN, CONGENITAL, WITH ANHIDROSIS. Identifiers: Orphanet 642, MedGen C0020074, MONDO:0009746, OMIM 256800.

gnomAD v4.1: 8 of 1,611,868 alleles (0.0005%); highest among the groups gnomAD compares: Non-Finnish European, 0.00068%; no homozygotes.

Submission:

Labcorp Genetics (formerly Invitae), Labcorp
Classification: Uncertain significance for Hereditary insensitivity to pain with anhidrosis. Last evaluated: 2022-02-12. Review status: criteria provided, single submitter. Criteria: Invitae Variant Classification Sherloc (09022015). Collection method: clinical testing. Allele origin: germline.
Comment: This sequence change replaces arginine, which is basic and polar, with leucine, which is neutral and non-polar, at codon 593 of the NTRK1 protein (p.Arg593Leu). The frequency data for this variant in the population databases is considered unreliable, as metrics indicate poor data quality at this position in the gnomAD database. This variant has not been reported in the literature in individuals affected with NTRK1-related conditions. Advanced modeling of protein sequence and biophysical properties (such as structural, functional, and spatial information, amino acid conservation, physicochemical variation, residue mobility, and thermodynamic stability) performed at Invitae indicates that this missense variant is not expected to disrupt NTRK1 protein function. In summary, the available evidence is currently insufficient to determine the role of this variant in disease. Therefore, it has been classified as a Variant of Uncertain Significance.